The following is an entry in ClinVar:

NM_019842.4(KCNQ5):c.2616TGA[1] (p.Asp873del)

Gene: KCNQ5 (potassium voltage-gated channel subfamily Q member 5; plus strand). Cytogenetic location: 6q13.
Variant type: Microsatellite.
Coding change: c.2616TGA[1] on transcript NM_019842.4 (MANE Select); one copy of the 3-base unit TGA starting at c.2616; the reference has two copies in a row; one copy, 3 bases deleted.
Protein change: p.Asp873del; deletes aspartic acid 873.
Molecular consequence: inframe deletion.
Genome position (GRCh38, 1-based): chr6:73,195,234-73,195,236, TGA deleted; deleting any 3 consecutive bases within chr6:73,195,231-73,195,236 gives the same sequence; the position shown is the placement nearest the transcript's 3' end. VCF-style (leftmost placement, unchanged base first): chr6-73195230-CTGA-C. GRCh37 (hg19) VCF-style: chr6-73904953-CTGA-C.
Other names: c.2589TGA[1], p.Asp864del (NM_001160130.2); c.2646TGA[1], p.Asp883del (NM_001160132.2); c.2673TGA[1], p.Asp892del (NM_001160133.2); c.2286TGA[1], p.Asp763del (NM_001160134.2); short protein forms D873del, D763del, D864del, D892del, D883del.
Identifiers: ClinVar variation 2129578 (VCV002129578.4), dbSNP rs2533933120, ClinGen allele CA2537506060.

ClinVar aggregate classification (germline): Uncertain significance (1 of 4 stars; one submission).

Submission:

Labcorp Genetics (formerly Invitae), Labcorp
Classification: Uncertain significance. Last evaluated: 2022-04-23. Review status: criteria provided, single submitter. Criteria: Invitae Variant Classification Sherloc (09022015). Collection method: clinical testing. Allele origin: germline.
Comment: This variant, c.2676_2678del, results in the deletion of 1 amino acid(s) of the KCNQ5 protein (p.Asp892del), but otherwise preserves the integrity of the reading frame. This variant is not present in population databases (gnomAD no frequency). This variant has not been reported in the literature in individuals affected with KCNQ5-related conditions. Experimental studies and prediction algorithms are not available or were not evaluated, and the functional significance of this variant is currently unknown. In summary, the available evidence is currently insufficient to determine the role of this variant in disease. Therefore, it has been classified as a Variant of Uncertain Significance.